The following is an entry in ClinVar:

NM_021803.4(IL21):c.202G>C (p.Glu68Gln)

Genes: IL21 (interleukin 21; minus strand), IL21-AS1 (IL21 antisense RNA 1; plus strand), LOC126807147 (CDK7 strongly-dependent group 2 enhancer GRCh37_chr4:123541308-123542507; plus strand). Cytogenetic location: 4q27.
Variant type: single nucleotide variant.
Coding change: c.202G>C on transcript NM_021803.4 (MANE Select); coding-DNA position 202, G replaced by C.
Protein change: p.Glu68Gln; replaces glutamic acid 68 with glutamine.
Molecular consequence: missense variant.
Genome position (GRCh38, 1-based): chr4:122,620,703, C>G on the plus strand (G>C on the coding strand, the complement: IL21 is on the minus strand). VCF-style: chr4-122620703-C-G. GRCh37 (hg19) VCF-style: chr4-123541858-C-G.
Other names: c.202G>C, p.Glu68Gln (NM_001207006.3); short protein forms E68Q.
Identifiers: ClinVar variation 4724133 (VCV004724133.1).

ClinVar aggregate classification (germline): Uncertain significance (1 of 4 stars; one submission).

Submission:

Labcorp Genetics (formerly Invitae), Labcorp
Classification: Uncertain significance. Last evaluated: 2025-08-03. Review status: criteria provided, single submitter. Criteria: Invitae Variant Classification Sherloc (09022015). Collection method: clinical testing. Allele origin: germline.
Comment: This sequence change replaces glutamic acid, which is acidic and polar, with glutamine, which is neutral and polar, at codon 68 of the IL21 protein (p.Glu68Gln). This variant is not present in population databases (gnomAD no frequency). This variant has not been reported in the literature in individuals affected with IL21-related conditions. An algorithm developed to predict the effect of missense changes on protein structure and function outputs the following: PolyPhen-2: "Benign". The glutamine amino acid residue is found in multiple mammalian species, which suggests that this missense change does not adversely affect protein function. In summary, the available evidence is currently insufficient to determine the role of this variant in disease. Therefore, it has been classified as a Variant of Uncertain Significance.